The following is an entry in ClinVar:

ClinVar aggregate classification (germline): Likely benign (0 of 4 stars; one submission).

Conditions:
FGF8-related disorder. Also called: FGF8-related condition.

Allele frequency attached by ClinVar (database versions not stated): gnomAD exomes below 0.00001.
gnomAD v4.1: 2 of 1,265,924 alleles (0.00016%); highest among the groups gnomAD compares: African/African-American, 0.0016%; no homozygotes.

Submission:

PreventionGenetics, part of Exact Sciences
Classification: Likely benign for FGF8-related condition. Last evaluated: 2019-05-30. Review status: no assertion criteria provided. Collection method: clinical testing. Allele origin: germline.
Comment: This variant is classified as likely benign based on ACMG/AMP sequence variant interpretation guidelines (Richards et al. 2015 PMID: 25741868, with internal and published modifications).

NM_033163.5(FGF8):c.-5G>A

Gene: FGF8 (fibroblast growth factor 8; minus strand). Cytogenetic location: 10q24.32.
Variant type: single nucleotide variant.
Coding change: c.-5G>A on transcript NM_033163.5 (MANE Select); 5 bases upstream of the start codon, G replaced by A.
Molecular consequence: 5 prime UTR variant. On other transcripts: intron variant (1).
Genome position (GRCh38, 1-based): chr10:101,775,905, C>T on the plus strand (G>A on the coding strand, the complement: FGF8 is on the minus strand). VCF-style: chr10-101775905-C-T. GRCh37 (hg19) VCF-style: chr10-103535662-C-T.
Other names: c.-5G>A (NM_006119.6, NM_033164.4, NM_033165.5); c.-160-129G>A (NM_001206389.2).
Identifiers: ClinVar variation 3044164 (VCV003044164.2), dbSNP rs2065084838, ClinGen allele CA1932378722.